The following is an entry in ClinVar:

ClinVar aggregate classification (germline): Uncertain significance (1 of 4 stars; one submission).

Conditions:
Ataxia-telangiectasia syndrome (AT). Also called: LOUIS-BAR SYNDROME; Cerebello-oculocutaneous telangiectasia; Immunodeficiency with ataxia telangiectasia; Ataxia telangiectasia (A-T); Ataxia-telangiectasia, complementation group D; AT, COMPLEMENTATION GROUP C. Identifiers: Orphanet 100, MedGen C0004135, MONDO:0008840, OMIM 208900.

Submission:

Labcorp Genetics (formerly Invitae), Labcorp
Classification: Uncertain significance for Ataxia-telangiectasia syndrome. Last evaluated: 2021-07-30. Review status: criteria provided, single submitter. Criteria: Invitae Variant Classification Sherloc (09022015). Collection method: clinical testing. Allele origin: germline.
Comment: In summary, the available evidence is currently insufficient to determine the role of this variant in disease. Therefore, it has been classified as a Variant of Uncertain Significance. Advanced modeling of protein sequence and biophysical properties (such as structural, functional, and spatial information, amino acid conservation, physicochemical variation, residue mobility, and thermodynamic stability) performed at Invitae indicates that this missense variant is not expected to disrupt ATM protein function. This variant has not been reported in the literature in individuals affected with ATM-related conditions. This variant is not present in population databases (ExAC no frequency). This sequence change replaces phenylalanine with leucine at codon 2140 of the ATM protein (p.Phe2140Leu). The phenylalanine residue is moderately conserved and there is a small physicochemical difference between phenylalanine and leucine.

NM_000051.4(ATM):c.6420C>G (p.Phe2140Leu)

Genes: ATM (ATM serine/threonine kinase; plus strand), C11orf65 (chromosome 11 open reading frame 65; minus strand). Cytogenetic location: 11q22.3.
Variant type: single nucleotide variant.
Coding change: c.6420C>G on transcript NM_000051.4 (MANE Select); coding-DNA position 6420, C replaced by G.
Protein change: p.Phe2140Leu; replaces phenylalanine 2140 with leucine.
Molecular consequence: missense variant. On other transcripts: intron variant (2).
Genome position (GRCh38, 1-based): chr11:108,320,026, C>G. VCF-style: chr11-108320026-C-G. GRCh37 (hg19) VCF-style: chr11-108190753-C-G.
Other names: c.6420C>G, p.Phe2140Leu (NM_001351834.2); c.641-10955G>C (NM_001330368.2); c.*39-10955G>C (NM_001351110.2); short protein forms F2140L.
Identifiers: ClinVar variation 1466839 (VCV001466839.7), dbSNP rs587780635, ClinGen allele CA382553490.